The following is an entry in ClinVar:

NM_006361.6(HOXB13):c.50del (p.Gly17fs)

Gene: HOXB13 (homeobox B13; minus strand). Cytogenetic location: 17q21.32.
Variant type: Deletion.
Coding change: c.50del on transcript NM_006361.6 (MANE Select); coding-DNA position 50, one base deleted (G; older notation c.50delG).
Protein change: p.Gly17fs; shifts the reading frame from glycine 17.
Molecular consequence: frameshift variant.
Genome position (GRCh38, 1-based): chr17:48,728,544, C deleted on the plus strand (G on the coding strand, the reverse complement: HOXB13 is on the minus strand); the first of 2 consecutive C bases (chr17:48,728,544-48,728,545); deleting either gives the same sequence. VCF-style (leftmost placement, unchanged base first): chr17-48728543-GC-G. GRCh37 (hg19) VCF-style: chr17-46805905-GC-G.
Other names: c.50delG (NM_006361.5); short protein forms G17fs.
Identifiers: ClinVar variation 483488 (VCV000483488.14), dbSNP rs1384625223, ClinGen allele CA626687136.
Genomic context (GRCh38, chr17:48,728,543, plus strand): 5'-TGGGTGGCTGGTCAGAGGGGAGTGGGCGACCAGATTCCGCCCCCCTCCCGCTCCCAGCAA[GC>G]CTTCGATATCCTTGGCTCCATCCAAGGTGGCATAATTGCCGGGCTCCATGGAGCCGAGGG-3'

ClinVar aggregate classification (germline): Uncertain significance. Review status: criteria provided, multiple submitters, no conflicts (2 of 4 stars). 2 submissions from 2 submitters: Uncertain significance (2). Last evaluated 2025-04-29.

Conditions:
Hereditary cancer-predisposing syndrome. Also called: Neoplastic Syndromes, Hereditary; Tumor predisposition; Hereditary Cancer Syndrome; Hereditary neoplastic syndrome. Identifiers: Orphanet 140162, MedGen C0027672, MeSH D009386, MONDO:0015356.

Submissions (2):

Labcorp Genetics (formerly Invitae), Labcorp
Classification: Uncertain significance. Last evaluated: 2025-04-29. Review status: criteria provided, single submitter. Criteria: Invitae Variant Classification Sherloc (09022015). Collection method: clinical testing. Allele origin: germline.
Comment: This sequence change creates a premature translational stop signal (p.Gly17Alafs*17) in the HOXB13 gene. It is expected to result in an absent or disrupted protein product. However, the current clinical and genetic evidence is not sufficient to establish whether loss-of-function variants in HOXB13 cause disease. The frequency data for this variant in the population databases is considered unreliable, as metrics indicate poor data quality at this position in the gnomAD database. This variant has not been reported in the literature in individuals affected with HOXB13-related conditions. ClinVar contains an entry for this variant (Variation ID: 483488). In summary, the available evidence is currently insufficient to determine the role of this variant in disease. Therefore, it has been classified as a Variant of Uncertain Significance.

Ambry Genetics
Classification: Uncertain significance for Hereditary cancer-predisposing syndrome. Last evaluated: 2025-04-14. Review status: criteria provided, single submitter. Criteria: Ambry Variant Classification Scheme 2023. Collection method: clinical testing. Allele origin: germline.
Comment: The c.50delG variant, located in coding exon 1 of the HOXB13 gene, results from a deletion of one nucleotide at nucleotide position 50, causing a translational frameshift with a predicted alternate stop codon (p.G17Afs*17). The predicted stop codon occurs in the 5&rsquo; end of theHOXB13 gene. Premature termination codons in the 5&rsquo; end of a gene have been reported to escape nonsense-mediated mRNAdecay and/or lead to re-initiation (Rivas et al. Science. 2015 May 8;348(6235):666-9; Lindeboom et al. Nat Genet. 2016 Oct;48(10):1112-8; Rhee et al. Sci Rep. 2017 May 10;7(1):1653). The exact functional effect of this alteration is unknown. Additionally, loss of function via haploinsufficiency in HOXB13 has not been clearly established as a mechanism of disease. Since supporting evidence is limited at this time, the clinical significance of this alteration remains unclear.